The following is an entry in ClinVar:

NM_000285.4(PEPD):c.217dup (p.Trp73fs)

Gene: PEPD (peptidase D; minus strand). Cytogenetic location: 19q13.11.
Variant type: Duplication.
Coding change: c.217dup on transcript NM_000285.4 (MANE Select); coding-DNA position 217, one base duplicated (T; older notation c.217dupT).
Protein change: p.Trp73fs; shifts the reading frame from tryptophan 73.
Molecular consequence: frameshift variant. On other transcripts: intron variant (1).
Genome position (GRCh38, 1-based): chr19:33,511,140, A duplicated on the plus strand (T on the coding strand, the reverse complement: PEPD is on the minus strand). VCF-style (leftmost placement, unchanged base first): chr19-33511139-C-CA. GRCh37 (hg19) VCF-style: chr19-34002045-C-CA.
Other names: c.217dup, p.Trp73fs (NM_001166056.2); c.201+1453dup (NM_001166057.2); short protein forms W73fs.
Identifiers: ClinVar variation 2866451 (VCV002866451.3), dbSNP rs2513524445, ClinGen allele CA2739276638.

ClinVar aggregate classification (germline): Pathogenic (1 of 4 stars; one submission).

Submission:

Labcorp Genetics (formerly Invitae), Labcorp
Classification: Pathogenic. Last evaluated: 2023-05-20. Review status: criteria provided, single submitter. Criteria: Invitae Variant Classification Sherloc (09022015). Collection method: clinical testing. Allele origin: germline.
Comment: This variant has not been reported in the literature in individuals affected with PEPD-related conditions. This variant is not present in population databases (gnomAD no frequency). This sequence change creates a premature translational stop signal (p.Trp73Leufs*7) in the PEPD gene. It is expected to result in an absent or disrupted protein product. Loss-of-function variants in PEPD are known to be pathogenic (PMID: 8198124, 10721675, 12384772, 17142620). For these reasons, this variant has been classified as Pathogenic.

Literature cited by the submitters: PubMed 8198124; PubMed 10721675; PubMed 12384772; PubMed 17142620.